The following is an entry in ClinVar:

ClinVar aggregate classification (germline): Uncertain significance (1 of 4 stars; one submission).

Conditions:
Glycogen storage disease due to muscle and heart glycogen synthase deficiency. Also called: GSD 0b; MUSCLE GLYCOGEN SYNTHASE DEFICIENCY. Identifiers: Orphanet 137625, MedGen C1969054, MONDO:0012693, OMIM 611556.

Allele frequency attached by ClinVar (database versions not stated): ExAC 0.00002; gnomAD exomes 0.00002 and 0.00003.
gnomAD v4.1: 47 of 1,609,730 alleles (0.0029%); highest among the groups gnomAD compares: African/African-American, 0.004%; no homozygotes.

Submission:

Labcorp Genetics (formerly Invitae), Labcorp
Classification: Uncertain significance for Glycogen storage disease due to muscle and heart glycogen synthase deficiency. Last evaluated: 2022-10-05. Review status: criteria provided, single submitter. Criteria: Invitae Variant Classification Sherloc (09022015). Collection method: clinical testing. Allele origin: germline.
Comment: This sequence change replaces glutamic acid, which is acidic and polar, with lysine, which is basic and polar, at codon 359 of the GYS1 protein (p.Glu359Lys). This variant is present in population databases (rs778215783, gnomAD 0.004%). This variant has not been reported in the literature in individuals affected with GYS1-related conditions. ClinVar contains an entry for this variant (Variation ID: 1056519). Advanced modeling of protein sequence and biophysical properties (such as structural, functional, and spatial information, amino acid conservation, physicochemical variation, residue mobility, and thermodynamic stability) performed at Invitae indicates that this missense variant is not expected to disrupt GYS1 protein function. In summary, the available evidence is currently insufficient to determine the role of this variant in disease. Therefore, it has been classified as a Variant of Uncertain Significance.

NM_002103.5(GYS1):c.1075G>A (p.Glu359Lys)

Gene: GYS1 (glycogen synthase 1; minus strand). Cytogenetic location: 19q13.33.
Variant type: single nucleotide variant.
Coding change: c.1075G>A on transcript NM_002103.5 (MANE Select); coding-DNA position 1075, G replaced by A.
Protein change: p.Glu359Lys; replaces glutamic acid 359 with lysine.
Molecular consequence: missense variant. On other transcripts: non-coding transcript variant (1).
Genome position (GRCh38, 1-based): chr19:48,981,624, C>T on the plus strand (G>A on the coding strand, the complement: GYS1 is on the minus strand). VCF-style: chr19-48981624-C-T. GRCh37 (hg19) VCF-style: chr19-49484881-C-T.
Other names: c.883G>A, p.Glu295Lys (NM_001161587.2); short protein forms E295K, E359K.
Identifiers: ClinVar variation 1056519 (VCV001056519.6), dbSNP rs778215783, ClinGen allele CA9563092.